The following is an entry in ClinVar:

NM_001267550.2(TTN):c.76240dup (p.Val25414fs)

Genes: TTN-AS1 (TTN antisense RNA 1; plus strand), TTN (titin; minus strand). Cytogenetic location: 2q31.2.
Variant type: Duplication.
Coding change: c.76240dup on transcript NM_001267550.2 (MANE Select); coding-DNA position 76240, one base duplicated (G; older notation c.76240dupG).
Protein change: p.Val25414fs; shifts the reading frame from valine 25414.
Molecular consequence: frameshift variant.
Genome position (GRCh38, 1-based): chr2:178,569,892, C duplicated on the plus strand (G on the coding strand, the reverse complement: TTN is on the minus strand). VCF-style (leftmost placement, unchanged base first): chr2-178569891-A-AC. GRCh37 (hg19) VCF-style: chr2-179434618-A-AC.
Other names: c.71317dup, p.Val23773fs (NM_001256850.1); c.49045dup, p.Val16349fs (NM_003319.4); c.68536dup, p.Val22846fs (NM_133378.4); c.49420dup, p.Val16474fs (NM_133432.3); c.49621dup, p.Val16541fs (NM_133437.4); c.49045dupG (NM_003319.4); short protein forms V16349fs, V22846fs, V23773fs, V25414fs, V16474fs, V16541fs.
Identifiers: ClinVar variation 854449 (VCV000854449.12), dbSNP rs1707514832, ClinGen allele CA916081340.

ClinVar aggregate classification (germline): Likely pathogenic. Review status: criteria provided, multiple submitters, no conflicts (2 of 4 stars). 2 submissions from 2 submitters: Likely pathogenic (2). Last evaluated 2021-12-23.

Conditions:
Dilated cardiomyopathy 1G (CMD1G). Identifiers: Orphanet 154, MedGen C1858763, MONDO:0011400, OMIM 604145.
Autosomal recessive limb-girdle muscular dystrophy type 2J (LGMDR10). Also called: MUSCULAR DYSTROPHY, LIMB-GIRDLE, AUTOSOMAL RECESSIVE 10; Limb-girdle muscular dystrophy, type 2J. Identifiers: Orphanet 140922, MedGen C1837342, MONDO:0012127, OMIM 608807.
Cardiovascular phenotype. Identifiers: MedGen CN230736.

Submissions (2):

Labcorp Genetics (formerly Invitae), Labcorp
Classification: Likely pathogenic for Dilated cardiomyopathy 1G; Autosomal recessive limb-girdle muscular dystrophy type 2J. Last evaluated: 2021-12-23. Review status: criteria provided, single submitter. Criteria: Invitae Variant Classification Sherloc (09022015). Collection method: clinical testing. Allele origin: germline.
Comment: This variant is located in the A band of TTN (PMID: 25589632). Truncating variants in this region are significantly overrepresented in patients affected with dilated cardiomyopathy (PMID: 25589632). Truncating variants in this region have also been reported in individuals affected with autosomal recessive centronuclear myopathy (PMID: 23975875). In summary, the currently available evidence indicates that the variant is pathogenic, but additional data are needed to prove that conclusively. Therefore, this variant has been classified as Likely Pathogenic. Algorithms developed to predict the effect of sequence changes on RNA splicing suggest that this variant may create or strengthen a splice site. This sequence change creates a premature translational stop signal (p.Val25414Glyfs*19) in the TTN gene. While this is not anticipated to result in nonsense mediated decay, it is expected to create a truncated TTN protein. This variant is not present in population databases (gnomAD no frequency). This variant has not been reported in the literature in individuals affected with TTN-related conditions. ClinVar contains an entry for this variant (Variation ID: 854449).

Ambry Genetics
Classification: Likely pathogenic for Cardiovascular phenotype. Last evaluated: 2021-11-08. Review status: criteria provided, single submitter. Criteria: Ambry Variant Classification Scheme 2023. Collection method: clinical testing. Allele origin: germline.
Comment: The c.49045dupG variant, located in coding exon 153 of the TTN gene, results from a duplication of G at nucleotide position 49045, causing a translational frameshift with a predicted alternate stop codon (p.V16349Gfs*19). This exon is located in the A-band region of the N2-B isoform of the titin protein and is constitutively expressed in TTN transcripts (percent spliced in or PSI 100%). This variant is considered to be rare based on population cohorts in the Genome Aggregation Database (gnomAD). This alteration is expected to result in loss of function by premature protein truncation or nonsense-mediated mRNA decay. While truncating variants in TTN are present in 1-3% of the general population, truncating variants in the A-band are the most common cause of dilated cardiomyopathy (DCM) (Herman DS et al. N. Engl. J. Med., 2012 Feb;366:619-28; Roberts AM et al. Sci Transl Med, 2015 Jan;7:270ra6). TTN truncating variants encoded in constitutive exons (PSI >90%) have been found to be significantly associated with DCM regardless of their position in titin (Schafer S et al. Nat. Genet., 2017 01;49:46-53). As such, this alteration is classified as likely pathogenic.

Literature cited by the submitters: PubMed 25589632 (cited by Labcorp Genetics (formerly Invitae), Labcorp); PubMed 23975875 (cited by Labcorp Genetics (formerly Invitae), Labcorp).